The following is an entry in ClinVar:

NM_012310.5(KIF4A):c.824G>A (p.Ser275Asn)

Gene: KIF4A (kinesin family member 4A; plus strand). Cytogenetic location: Xq13.1.
Variant type: single nucleotide variant.
Coding change: c.824G>A on transcript NM_012310.5 (MANE Select); coding-DNA position 824, G replaced by A.
Protein change: p.Ser275Asn; replaces serine 275 with asparagine.
Molecular consequence: missense variant.
Genome position (GRCh38, 1-based): chrX:70,329,450, G>A. VCF-style: chrX-70329450-G-A. GRCh37 (hg19) VCF-style: chrX-69549300-G-A.
Other names: short protein forms S275N.
Identifiers: ClinVar variation 2660815 (VCV002660815.24), dbSNP rs2519647651, ClinGen allele CA413462396.

ClinVar aggregate classification (germline): Uncertain significance (1 of 4 stars; one submission).

Submission:

CeGaT Center for Human Genetics Tuebingen
Classification: Uncertain significance. Last evaluated: 2022-12-01. Review status: criteria provided, single submitter. Criteria: CeGaT Center For Human Genetics Tuebingen Variant Classification Criteria Version 2. Collection method: clinical testing. Allele origin: germline. Affected: yes. Observed: 1 variant allele.
Comment: KIF4A: PM2, PM3:Supporting, PP2